The following is an entry in ClinVar:

ClinVar aggregate classification (germline): Uncertain significance (1 of 4 stars; one submission).

Submission:

Labcorp Genetics (formerly Invitae), Labcorp
Classification: Uncertain significance. Last evaluated: 2022-06-15. Review status: criteria provided, single submitter. Criteria: Invitae Variant Classification Sherloc (09022015). Collection method: clinical testing. Allele origin: germline.
Comment: This variant is not present in population databases (gnomAD no frequency). This sequence change creates a premature translational stop signal (p.Leu134Valfs*19) in the CLCC1 gene. It is expected to result in an absent or disrupted protein product. However, the current clinical and genetic evidence is not sufficient to establish whether loss-of-function variants in CLCC1 cause disease. This variant has not been reported in the literature in individuals affected with CLCC1-related conditions. In summary, the available evidence is currently insufficient to determine the role of this variant in disease. Therefore, it has been classified as a Variant of Uncertain Significance.

NM_001377458.1(CLCC1):c.400_401del (p.Leu134fs)

Gene: CLCC1 (chloride channel CLIC like 1; minus strand). Cytogenetic location: 1p13.3.
Variant type: Deletion.
Coding change: c.400_401del on transcript NM_001377458.1 (MANE Select); coding-DNA positions 400 to 401, 2 bases deleted (TT; older notation c.400_401delTT).
Protein change: p.Leu134fs; shifts the reading frame from leucine 134.
Molecular consequence: frameshift variant. On other transcripts: non-coding transcript variant (1), intron variant (3).
Genome position (GRCh38, 1-based): chr1:108,943,996-108,943,997, AA deleted on the plus strand (TT on the coding strand, the reverse complement: CLCC1 is on the minus strand); deleting any 2 consecutive bases within chr1:108,943,996-108,943,998 gives the same sequence; the c. name uses the placement nearest the transcript's 3' end. VCF-style (leftmost placement, unchanged base first): chr1-108943995-CAA-C. GRCh37 (hg19) VCF-style: chr1-109486617-CAA-C.
Other names: c.400_401del, p.Leu134fs (NM_001048210.3, NM_001377459.1, NM_001377460.1 and 8 more transcripts); c.298_299del, p.Leu100fs (NM_001377469.1); c.109_110del, p.Leu37fs (NM_001377470.1); c.340-90_340-89del (NM_015127.5); c.340-2499_340-2498del (NM_001278202.2); c.339+3614_339+3615del (NM_001278203.1); short protein forms L100fs, L134fs, L37fs.
Identifiers: ClinVar variation 2003879 (VCV002003879.4), dbSNP rs2524192820, ClinGen allele CA2580060770.
Genomic context (GRCh38, chr1:108,943,995, plus strand): 5'-TGCATCATCCAAGGCACCTGGTTTCCAGTCTTCTCCATTGAGAAACTTCTGTATTTCTAA[CAA>C]AGTTTCTCTTTTAAGGATAATCTCAGCATCATAATGCATATCGCCTTTGTTTTCATCAGG-3'